The following is an entry in ClinVar:

ClinVar aggregate classification (germline): Uncertain significance (1 of 4 stars; one submission).

Conditions:
Macrocephaly-developmental delay syndrome (MRT41). Also called: INTELLECTUAL DEVELOPMENTAL DISORDER, AUTOSOMAL RECESSIVE 41. Identifiers: Orphanet 397612, MedGen C3810225, MONDO:0014289, OMIM 615637.

Allele frequency attached by ClinVar (database versions not stated): TOPMed below 0.00001.

Submission:

Labcorp Genetics (formerly Invitae), Labcorp
Classification: Uncertain significance for Macrocephaly-developmental delay syndrome. Last evaluated: 2021-04-12. Review status: criteria provided, single submitter. Criteria: Invitae Variant Classification Sherloc (09022015). Collection method: clinical testing. Allele origin: germline.
Comment: This sequence change replaces aspartic acid with asparagine at codon 167 of the KPTN protein (p.Asp167Asn). The aspartic acid residue is highly conserved and there is a small physicochemical difference between aspartic acid and asparagine. In summary, the available evidence is currently insufficient to determine the role of this variant in disease. Therefore, it has been classified as a Variant of Uncertain Significance. Algorithms developed to predict the effect of missense changes on protein structure and function output the following: SIFT: "Tolerated"; PolyPhen-2: "Benign"; Align-GVGD: "Class C0". The asparagine amino acid residue is found in multiple mammalian species, suggesting that this missense change does not adversely affect protein function. These predictions have not been confirmed by published functional studies and their clinical significance is uncertain. This variant has not been reported in the literature in individuals with KPTN-related conditions. This variant is not present in population databases (ExAC no frequency).

NM_007059.4(KPTN):c.499G>A (p.Asp167Asn)

Gene: KPTN (kaptin, actin binding protein; minus strand). Cytogenetic location: 19q13.32.
Variant type: single nucleotide variant.
Coding change: c.499G>A on transcript NM_007059.4 (MANE Select); coding-DNA position 499, G replaced by A.
Protein change: p.Asp167Asn; replaces aspartic acid 167 with asparagine.
Molecular consequence: missense variant. On other transcripts: non-coding transcript variant (1).
Genome position (GRCh38, 1-based): chr19:47,480,984, C>T on the plus strand (G>A on the coding strand, the complement: KPTN is on the minus strand). VCF-style: chr19-47480984-C-T. GRCh37 (hg19) VCF-style: chr19-47984241-C-T.
Other names: c.331G>A, p.Asp111Asn (NM_001291296.2); short protein forms D167N, D111N.
Identifiers: ClinVar variation 1471809 (VCV001471809.8), dbSNP rs1967859701, ClinGen allele CA406604094.